The following is an entry in ClinVar:

NM_001041.4(SI):c.3099+1G>C

Gene: SI (sucrase-isomaltase; minus strand). Cytogenetic location: 3q26.1.
Variant type: single nucleotide variant.
Coding change: c.3099+1G>C on transcript NM_001041.4 (MANE Select); the canonical splice donor site of the intron after coding-DNA position 3099, G replaced by C.
Molecular consequence: splice donor variant.
Genome position (GRCh38, 1-based): chr3:165,023,569, C>G on the plus strand (G>C on the coding strand, the complement: SI is on the minus strand). VCF-style: chr3-165023569-C-G. GRCh37 (hg19) VCF-style: chr3-164741357-C-G.
Identifiers: ClinVar variation 2806858 (VCV002806858.4), dbSNP rs775933206, ClinGen allele CA355041512.
Genomic context (GRCh38, chr3:165,023,569, plus strand): 5'-TTATTCAAAATCTCATCTCACAAGATGAGTTAAGCTTTGGGGTAGTTTATATCAAGCATA[C>G]CTTAAACTGCAACATATCATTTTTGTGATATTTCACCTCCACACGAAGAGTTGAGATGGG-3'

ClinVar aggregate classification (germline): Likely pathogenic. Review status: criteria provided, multiple submitters, no conflicts (2 of 4 stars). 2 submissions from 2 submitters: Likely pathogenic (2). Last evaluated 2024-03-01.

Conditions:
Sucrase-isomaltase deficiency (CSID). Also called: Deficiency of isomaltase; Congenital sucrose isomaltose malabsorption; Sucrose isomaltose enzyme deficiency; SI DEFICIENCY. Identifiers: Orphanet 35122, MedGen C1283620, MONDO:0009114, OMIM 222900.

gnomAD v4.1: 2 of 1,606,970 alleles (0.00012%); highest among the groups gnomAD compares: African/African-American, 0.0013%; no homozygotes.

Submissions (2):

Fulgent Genetics
Classification: Likely pathogenic for Sucrase-isomaltase deficiency. Last evaluated: 2024-03-01. Review status: criteria provided, single submitter. Criteria: ACMG Guidelines, 2015. Collection method: clinical testing. Allele origin: germline.

Labcorp Genetics (formerly Invitae), Labcorp
Classification: Likely pathogenic. Last evaluated: 2023-06-24. Review status: criteria provided, single submitter. Criteria: Invitae Variant Classification Sherloc (09022015). Collection method: clinical testing. Allele origin: germline.
Comment: In summary, the currently available evidence indicates that the variant is pathogenic, but additional data are needed to prove that conclusively. Therefore, this variant has been classified as Likely Pathogenic. Algorithms developed to predict the effect of sequence changes on RNA splicing suggest that this variant may disrupt the consensus splice site. This variant has not been reported in the literature in individuals affected with SI-related conditions. This variant is not present in population databases (gnomAD no frequency). This sequence change affects a donor splice site in intron 26 of the SI gene. It is expected to disrupt RNA splicing. Variants that disrupt the donor or acceptor splice site typically lead to a loss of protein function (PMID: 16199547), and loss-of-function variants in SI are known to be pathogenic (PMID: 16329100, 23103650, 25452324).

Literature cited by the submitters: PubMed 16199547 (cited by Labcorp Genetics (formerly Invitae), Labcorp); PubMed 16329100 (cited by Labcorp Genetics (formerly Invitae), Labcorp); PubMed 23103650 (cited by Labcorp Genetics (formerly Invitae), Labcorp); PubMed 25452324 (cited by Labcorp Genetics (formerly Invitae), Labcorp).